The following is an entry in ClinVar:

NM_003737.4(DCHS1):c.9269A>T (p.Tyr3090Phe)

Gene: DCHS1 (dachsous cadherin-related 1; minus strand). Cytogenetic location: 11p15.4.
Variant type: single nucleotide variant.
Coding change: c.9269A>T on transcript NM_003737.4 (MANE Select); coding-DNA position 9269, A replaced by T.
Protein change: p.Tyr3090Phe; replaces tyrosine 3090 with phenylalanine.
Molecular consequence: missense variant.
Genome position (GRCh38, 1-based): chr11:6,622,407, T>A on the plus strand (A>T on the coding strand, the complement: DCHS1 is on the minus strand). VCF-style: chr11-6622407-T-A. GRCh37 (hg19) VCF-style: chr11-6643638-T-A.
Other names: c.9269A>T (NM_003737.2); short protein forms Y3090F.
Identifiers: ClinVar variation 763533 (VCV000763533.17), dbSNP rs201094018, ClinGen allele CA5859293.
Genomic context (GRCh38, chr11:6,622,407, plus strand): 5'-TCCTCTCTGTAGAGAGTGGCTCCTGCACCTGGCAGCAGCAGCCCTGCCTTTCGGCCCTTA[T>A]ACCAGGTGTCAGGGGCAGGTGGTTCGCAGGATGTGTCACTCAGACCATCTGCATCCTGCT-3'
Protein context (NP_003728.1, residues 3080-3100): SCEPPAPDTW[Tyr3090Phe]KGRKAGLLLP

ClinVar aggregate classification (germline): Conflicting classifications of pathogenicity. Review status: criteria provided, conflicting classifications (1 of 4 stars). 5 submissions from 5 submitters: Uncertain significance (2); Likely benign (2). 1 of the submissions does not count toward it. Last evaluated 2026-01-24.

Conditions:
Inborn genetic diseases. Identifiers: MedGen C0950123, MeSH D030342.
DCHS1-related disorder. Also called: DCHS1-related condition.

Allele frequency attached by ClinVar (database versions not stated): TOPMed 0.00027; gnomAD 0.00031 and 0.00038; gnomAD exomes 0.00052; 1000 Genomes Project 0.00080; 1000 Genomes Project 30x 0.00094; ExAC 0.00127.
gnomAD v4.1: 703 of 1,557,016 alleles (0.045%); highest among the groups gnomAD compares: South Asian, 0.18%; 2 homozygotes.

Submissions (5):

Labcorp Genetics (formerly Invitae), Labcorp
Classification: Likely benign. Last evaluated: 2026-01-24. Review status: criteria provided, single submitter. Criteria: Invitae Variant Classification Sherloc (09022015). Collection method: clinical testing. Allele origin: germline.

Blueprint Genetics
Classification: Likely benign. Last evaluated: 2024-09-23. Review status: criteria provided, single submitter. Criteria: ACMG Guidelines, 2015. Collection method: clinical testing. Allele origin: germline.

Ambry Genetics
Classification: Uncertain significance for Inborn genetic diseases. Last evaluated: 2021-12-03. Review status: criteria provided, single submitter. Criteria: Ambry Variant Classification Scheme 2023. Collection method: clinical testing. Allele origin: germline.

GeneDx
Classification: Uncertain significance. Last evaluated: 2018-12-21. Review status: criteria provided, single submitter. Criteria: GeneDx Variant Classification Process June 2021. Collection method: clinical testing. Allele origin: germline. Affected: yes.
Comment: In silico analysis, which includes protein predictors and evolutionary conservation, supports that this variant does not alter protein structure/function; Has not been previously published as pathogenic or benign to our knowledge

PreventionGenetics, part of Exact Sciences
Classification: Likely benign for DCHS1-related condition. Last evaluated: 2022-06-13. Review status: no assertion criteria provided. Collection method: clinical testing. Allele origin: germline. Not counted in ClinVar's aggregate classification.
Comment: This variant is classified as likely benign based on ACMG/AMP sequence variant interpretation guidelines (Richards et al. 2015 PMID: 25741868, with internal and published modifications).